The following is an entry in ClinVar:

NM_024642.5(GALNT12):c.1330G>A (p.Gly444Ser)

Gene: GALNT12 (polypeptide N-acetylgalactosaminyltransferase 12; plus strand). Cytogenetic location: 9q22.33.
Variant type: single nucleotide variant.
Coding change: c.1330G>A on transcript NM_024642.5 (MANE Select); coding-DNA position 1330, G replaced by A.
Protein change: p.Gly444Ser; replaces glycine 444 with serine.
Molecular consequence: missense variant.
Genome position (GRCh38, 1-based): chr9:98,840,119, G>A. VCF-style: chr9-98840119-G-A. GRCh37 (hg19) VCF-style: chr9-101602401-G-A.
Other names: short protein forms G444S.
Identifiers: ClinVar variation 818953 (VCV000818953.5), dbSNP rs1588455845, ClinGen allele CA374221132.
Genomic context (GRCh38, chr9:98,840,119, plus strand): 5'-GACTTCAAGTGGTTCTTGGAGACTGTGTATCCAGAACTGCATGTGCCTGAGGACAGGCCT[G>A]GCTTCTTCGGGATGGTGAGTGAGGGTGGTGGGCCCACGGCAGGCAGGGACTTCCCTGGCC-3'
Protein context (NP_078918.3, residues 434-454): PELHVPEDRP[Gly444Ser]FFGMLQNKGL

ClinVar aggregate classification (germline): Uncertain significance (1 of 4 stars; one submission).

Submission:

Ambry Genetics
Classification: Uncertain significance. Last evaluated: 2025-06-08. Review status: criteria provided, single submitter. Criteria: Ambry Variant Classification Scheme 2023. Collection method: clinical testing. Allele origin: germline.
Comment: The p.G444S variant (also known as c.1330G>A), located in coding exon 7 of the GALNT12 gene, results from a G to A substitution at nucleotide position 1330. The glycine at codon 444 is replaced by serine, an amino acid with similar properties. This amino acid position is highly conserved in available vertebrate species. In addition, the in silico prediction for this alteration is inconclusive. Since supporting evidence is limited at this time, the clinical significance of this alteration remains unclear.